The following is an entry in ClinVar:

NM_005359.6(SMAD4):c.60G>A (p.Val20=)

Gene: SMAD4 (SMAD family member 4; plus strand). Cytogenetic location: 18q21.2.
Variant type: single nucleotide variant.
Coding change: c.60G>A on transcript NM_005359.6 (MANE Select); coding-DNA position 60, G replaced by A.
Protein change: p.Val20=; no amino-acid change (valine 20 retained).
Molecular consequence: synonymous variant.
Genome position (GRCh38, 1-based): chr18:51,047,106, G>A. VCF-style: chr18-51047106-G-A. GRCh37 (hg19) VCF-style: chr18-48573476-G-A.
Identifiers: ClinVar variation 378972 (VCV000378972.13), dbSNP rs1057520442, ClinGen allele CA16607941.
Genomic context (GRCh38, chr18:51,047,106, plus strand): 5'-AATGGACAATATGTCTATTACGAATACACCAACAAGTAATGATGCCTGTCTGAGCATTGT[G>A]CATAGTTTGATGTGCCATAGACAAGGTGGAGAGAGTGAAACATTTGCAAAAAGAGCAATT-3'
Protein context (NP_005350.1, residues 10-30): PTSNDACLSI[Val20=]HSLMCHRQGG

ClinVar aggregate classification (germline): Benign/Likely benign. Review status: criteria provided, multiple submitters, no conflicts (2 of 4 stars). 5 submissions from 5 submitters: Benign (1); Likely benign (4). Last evaluated 2025-03-18.

Conditions:
Juvenile polyposis syndrome (JPS). Identifiers: Orphanet 2929, MedGen C0345893, MONDO:0017380, OMIM 174900.
Hereditary cancer-predisposing syndrome. Also called: Neoplastic Syndromes, Hereditary; Hereditary Cancer Syndrome; Hereditary neoplastic syndrome; Tumor predisposition. Identifiers: Orphanet 140162, MedGen C0027672, MeSH D009386, MONDO:0015356.
Familial thoracic aortic aneurysm and aortic dissection (TAAD). Also called: Thoracic aortic aneurysms and dissections. Identifiers: Orphanet 91387, MedGen C4707243, MONDO:0019625.
Juvenile polyposis/hereditary hemorrhagic telangiectasia syndrome (JPHT). Also called: POLYPOSIS, GENERALIZED JUVENILE, WITH PULMONARY ARTERIOVENOUS MALFORMATION; TELANGIECTASIA, HEREDITARY HEMORRHAGIC, WITH JUVENILE POLYPOSIS COLI; Juvenile Polyposis Syndrome / Hereditary Hemorrhagic Telangiectasia (JPS/HHT); JP/HHT SYNDROME; JUVENILE POLYPOSIS WITH HEREDITARY HEMORRHAGIC TELANGIECTASIA. Identifiers: Orphanet 2929, MedGen C1832942, MONDO:0008278, OMIM 175050.

Allele frequency attached by ClinVar (database versions not stated): gnomAD exomes below 0.00001.
gnomAD v4.1: 1 of 1,613,810 alleles (0.000062%); highest among the groups gnomAD compares: South Asian, 0.0011%; no homozygotes.

Submissions (5):

Myriad Genetics, Inc.
Classification: Benign for Juvenile polyposis/hereditary hemorrhagic telangiectasia syndrome. Last evaluated: 2025-03-18. Review status: criteria provided, single submitter. Criteria: Myriad Autosomal Dominant, Autosomal Recessive and X-Linked Classification Criteria (2023). Collection method: clinical testing. Allele origin: unknown.
Comment: This variant is considered benign. This variant is a silent/synonymous amino acid change and it is not expected to impact splicing.

Labcorp Genetics (formerly Invitae), Labcorp
Classification: Likely benign for Juvenile polyposis syndrome. Last evaluated: 2024-08-07. Review status: criteria provided, single submitter. Criteria: Invitae Variant Classification Sherloc (09022015). Collection method: clinical testing. Allele origin: germline.

Color Diagnostics, LLC DBA Color Health
Classification: Likely benign for Hereditary cancer-predisposing syndrome. Last evaluated: 2024-02-20. Review status: criteria provided, single submitter. Criteria: ACMG Guidelines, 2015. Collection method: clinical testing. Allele origin: germline.

Ambry Genetics
Classification: Likely benign for Hereditary cancer-predisposing syndrome; Familial thoracic aortic aneurysm and aortic dissection. Last evaluated: 2020-06-10. Review status: criteria provided, single submitter. Criteria: Ambry Variant Classification Scheme 2023. Collection method: clinical testing. Allele origin: germline.

GeneDx
Classification: Likely benign. Last evaluated: 2017-01-04. Review status: criteria provided, single submitter. Criteria: GeneDx Variant Classification (06012015). Collection method: clinical testing. Allele origin: germline. Affected: yes.
Comment: This variant is considered likely benign or benign based on one or more of the following criteria: it is a conservative change, it occurs at a poorly conserved position in the protein, it is predicted to be benign by multiple in silico algorithms, and/or has population frequency not consistent with disease.